The following is an entry in ClinVar:

ClinVar aggregate classification (germline): Uncertain significance (1 of 4 stars; one submission).

Conditions:
Joubert syndrome. Also called: CEREBELLOPARENCHYMAL DISORDER IV; JOUBERT-BOLTSHAUSER SYNDROME; Familial aplasia of the vermis. Identifiers: Orphanet 475, MedGen C5979921, MONDO:0018772.
Meckel-Gruber syndrome. Also called: DYSENCEPHALIA SPLANCHNOCYSTICA; GRUBER SYNDROME; Dysencephalia splachnocystica. Identifiers: Orphanet 564, MedGen C0265215, MONDO:0018921.

Submission:

Labcorp Genetics (formerly Invitae), Labcorp
Classification: Uncertain significance for Joubert syndrome; Meckel-Gruber syndrome. Last evaluated: 2024-12-02. Review status: criteria provided, single submitter. Criteria: Invitae Variant Classification Sherloc (09022015). Collection method: clinical testing. Allele origin: germline.
Comment: This sequence change replaces histidine, which is basic and polar, with arginine, which is basic and polar, at codon 333 of the MKS1 protein (p.His333Arg). This variant is not present in population databases (gnomAD no frequency). This variant has not been reported in the literature in individuals affected with MKS1-related conditions. ClinVar contains an entry for this variant (Variation ID: 1378563). Invitae Evidence Modeling of protein sequence and biophysical properties (such as structural, functional, and spatial information, amino acid conservation, physicochemical variation, residue mobility, and thermodynamic stability) indicates that this missense variant is not expected to disrupt MKS1 protein function with a negative predictive value of 80%. In summary, the available evidence is currently insufficient to determine the role of this variant in disease. Therefore, it has been classified as a Variant of Uncertain Significance.

NM_017777.4(MKS1):c.998A>G (p.His333Arg)

Gene: MKS1 (MKS transition zone complex subunit 1; minus strand). Cytogenetic location: 17q22.
Variant type: single nucleotide variant.
Coding change: c.998A>G on transcript NM_017777.4 (MANE Select); coding-DNA position 998, A replaced by G.
Protein change: p.His333Arg; replaces histidine 333 with arginine.
Molecular consequence: missense variant.
Genome position (GRCh38, 1-based): chr17:58,210,685, T>C on the plus strand (A>G on the coding strand, the complement: MKS1 is on the minus strand). VCF-style: chr17-58210685-T-C. GRCh37 (hg19) VCF-style: chr17-56288046-T-C.
Other names: c.389A>G, p.His130Arg (NM_001321268.2); c.998A>G, p.His333Arg (NM_001321269.2, NM_001330397.2); short protein forms H130R, H333R.
Identifiers: ClinVar variation 1378563 (VCV001378563.6), dbSNP rs2143774851, ClinGen allele CA400325993.